The following is an entry in ClinVar:

GRCh37/hg19 15q11.2-13.1(chr15:22770422-28545601)x4

Genes: PWARSN (Prader Willi/Angelman region RNA, SNRPN neighbor; plus strand), PWRN2 (Prader-Willi region non-protein coding RNA 2; minus strand), SNORD115-1 (small nucleolar RNA, C/D box 115-1; plus strand), SNORD116-1 (small nucleolar RNA, C/D box 116-1; plus strand), PWAR5 (Prader Willi/Angelman region RNA 5; plus strand) and 23 more. Cytogenetic location: 15q11.2-13.1.
Variant type: copy number gain.
Change: copy number 4 of chr15:22,770,422-28,545,601 (5.78 Mb, GRCh37 coordinates, 1-based), cytogenetic band 15q11.2-13.1.
Identifiers: ClinVar variation 1808619 (VCV001808619.1).

ClinVar aggregate classification (germline): Pathogenic (1 of 4 stars; one submission).

Submission:

Quest Diagnostics Nichols Institute San Juan Capistrano
Classification: Pathogenic. Last evaluated: 2022-04-03. Review status: criteria provided, single submitter. Criteria: ACMG/ClinGen CNV Guidelines, 2019. Collection method: clinical testing. Allele origin: unknown.
Comment: The 15q11q13 recurrent gain interval (BP1-BP3) of the Prader-Willi/Angelman critical region is associated with 15q11-q13 duplication syndrome (OMIM 608636). Clinical features can vary between and within families and can include autism, intellectual disability, ataxia, seizures, developmental delays, and behavioral problems. Evidence suggests a parent-of-origin effect, with maternally derived duplications being more frequently associated with abnormal phenotypes. Paternally derived duplications have been reported often in unaffected individuals; however, they also have been identified in some individuals with clinical phenotypes, including autism (Urraca et al., Autism Res. 2013 Aug;6(4):268-79, PMID: 23495136) and seizures (Marini et al., Am J Med Genet A. 2013 Jun;161A(6):1459-64. PMID: 23633446). See GeneReviews for additional information and references.